The following is an entry in ClinVar:

NC_000017.11:g.31379000_31379017del

Gene: NF1 (neurofibromin 1; plus strand). Cytogenetic location: 17q11.2.
Variant type: Deletion.
Genome position: GRCh38 VCF-style: chr17-31378991-TGTCTTCATTTGGAAATCA-T. GRCh37 (hg19) VCF-style: chr17-29706009-TGTCTTCATTTGGAAATCA-T.
Identifiers: ClinVar variation 3341994 (VCV003341994.16).

ClinVar aggregate classification (germline): Likely benign (1 of 4 stars; one submission).

Submission:

CeGaT Center for Human Genetics Tuebingen
Classification: Likely benign. Last evaluated: 2024-08-01. Review status: criteria provided, single submitter. Criteria: CeGaT Center For Human Genetics Tuebingen Variant Classification Criteria Version 2. Collection method: clinical testing. Allele origin: germline. Affected: yes. Observed: 1 variant allele.
Comment: NF1: BS1